The following is an entry in ClinVar:

ClinVar aggregate classification (germline): Pathogenic/Likely pathogenic. Review status: criteria provided, multiple submitters, no conflicts (2 of 4 stars). 7 submissions from 7 submitters: Pathogenic (4); Likely pathogenic (2). 1 of the submissions does not count toward it. Last evaluated 2023-07-05.

Conditions:
Lissencephaly due to TUBA1A mutation (CDCBM16). Also called: CORTICAL DYSPLASIA, COMPLEX, WITH OTHER BRAIN MALFORMATIONS 16; Lissencephaly 3. Identifiers: Orphanet 171680, MedGen C4305153, MONDO:0012703, OMIM 611603.
Tubulinopathy. Also called: Tubulinopathies. Identifiers: MedGen CN850169, MONDO:0100153.
Inborn genetic diseases. Identifiers: MedGen C0950123, MeSH D030342.
Cerebral palsy. Identifiers: MedGen C0007789, MONDO:0006497, HP:0100021.

Submissions (7):

Ambry Genetics
Classification: Pathogenic for Inborn genetic diseases. Last evaluated: 2023-07-05. Review status: criteria provided, single submitter. Criteria: Ambry Variant Classification Scheme 2023. Collection method: clinical testing. Allele origin: germline.
Comment: The c.367C>T (p.R123C) alteration is located in exon 3 (coding exon 3) of the TUBA1A gene. This alteration results from a C to T substitution at nucleotide position 367, causing the arginine (R) at amino acid position 123 to be replaced by a cysteine (C). This variant was not reported in population-based cohorts in the Genome Aggregation Database (gnomAD). This variant has been determined to be the result of a de novo mutation in two individuals with features consistent with TUBA1A-related lissencephaly (McMichael, 2015; Bahi-Buisson, 2014). This variant was reported to be de novo (Hebebrand, 2019). This amino acid position is highly conserved in available vertebrate species. This missense alteration is located in a region that has a low rate of benign missense variation (Lek, 2016; Firth, 2009). The in silico prediction for this alteration is inconclusive. Based on the available evidence, this alteration is classified as pathogenic.

Labcorp Genetics (formerly Invitae), Labcorp
Classification: Pathogenic. Last evaluated: 2023-03-02. Review status: criteria provided, single submitter. Criteria: Invitae Variant Classification Sherloc (09022015). Collection method: clinical testing. Allele origin: germline.
Comment: This missense change has been observed in individual(s) with cortical malformations (PMID: 24860126, 25666757). In at least one individual the variant was observed to be de novo. For these reasons, this variant has been classified as Pathogenic. Advanced modeling of protein sequence and biophysical properties (such as structural, functional, and spatial information, amino acid conservation, physicochemical variation, residue mobility, and thermodynamic stability) performed at Invitae indicates that this missense variant is not expected to disrupt TUBA1A protein function. ClinVar contains an entry for this variant (Variation ID: 265378). This variant is not present in population databases (gnomAD no frequency). This sequence change replaces arginine, which is basic and polar, with cysteine, which is neutral and slightly polar, at codon 123 of the TUBA1A protein (p.Arg123Cys).

GeneDx
Classification: Pathogenic. Last evaluated: 2022-11-28. Review status: criteria provided, single submitter. Criteria: GeneDx Variant Classification Process June 2021. Collection method: clinical testing. Allele origin: germline. Affected: yes.
Comment: In silico analyses, including protein predictors and evolutionary conservation, support a deleterious effect; The majority of missense variants in this gene are considered pathogenic (HGMD); Not observed at significant frequency in large population cohorts (gnomAD); This variant is associated with the following publications: (PMID: 24860126, 26934450, 29325622, 26003063, 25666757, 28677066, 29057214, 32989326, 30744660, 27535533, 24077912)

Molecular Diagnostics Laboratory, M Health Fairview: University of Minnesota
Classification: Likely pathogenic for Lissencephaly due to TUBA1A mutation. Last evaluated: 2021-12-27. Review status: criteria provided, single submitter. Criteria: ACMG Guidelines, 2015. Collection method: clinical testing. Allele origin: germline. Affected: yes.

Institute of Human Genetics, FAU Erlangen, Friedrich-Alexander-Universität Erlangen-Nürnberg
Classification: Pathogenic for Tubulinopathies. Last evaluated: 2018-07-01. Review status: criteria provided, single submitter. Criteria: ACMG Guidelines, 2015. Collection method: literature only. Allele origin: de novo. Affected: yes. Observed: 1 variant allele.
Comment: The c.367C>T, p.(Arg123Cys) variant has been reported as a variant of de novo origin. This variant and associated phenotype was previously reported by Bahi-Buisson et al. Brain, 2014 PMID: 24860126. HPO-standardized clinical features were: no Abnormal corpus callosum morphology (-HP:0001273); Polymicrogyria (HP:0002126); Dysgenesis of the cerebellar vermis (HP:0002195); Microcephaly (HP:0000252)

Juno Genomics, Hangzhou Juno Genomics, Inc
Classification: Likely pathogenic for Lissencephaly due to TUBA1A mutation. Review status: criteria provided, single submitter. Criteria: ACMG Guidelines, 2015. Collection method: clinical testing. Allele origin: germline. Affected: yes.
Comment: Absent from controls (or at extremely low frequency if recessive) in Genome Aggregation Database.;Multiple lines of computational evidence support a deleterious effect on the gene or gene product.;Missense variant in a gene that has a low rate of benign missense variation.;The prevalence of the variant in affected individuals is significantly increased compared to the prevalence in controls.;De novo (both maternity and paternity confirmed) in a patient with the disease and no family history.

Yale Center for Mendelian Genomics, Yale University
Classification: Uncertain significance for Cerebral palsy. Last evaluated: 2020-09-28. Review status: no assertion criteria provided. Collection method: literature only. Allele origin: de novo. Affected: yes. Observed: 1 heterozygote. Study: Yale Center for Mendelian Genomics. Not counted in ClinVar's aggregate classification.

Literature cited by the submitters: PubMed 24860126 (cited by Ambry Genetics and Labcorp Genetics (formerly Invitae), Labcorp); PubMed 25666757 (cited by Ambry Genetics and Labcorp Genetics (formerly Invitae), Labcorp); PubMed 30744660 (cited by Ambry Genetics and Institute of Human Genetics, FAU Erlangen, Friedrich-Alexander-Universität Erlangen-Nürnberg); DOI 10.1101/427948 (cited by Institute of Human Genetics, FAU Erlangen, Friedrich-Alexander-Universität Erlangen-Nürnberg); PubMed 32989326 (cited by Yale Center for Mendelian Genomics, Yale University).

NM_006009.4(TUBA1A):c.367C>T (p.Arg123Cys)

Gene: TUBA1A (tubulin alpha 1a; minus strand). Cytogenetic location: 12q13.12.
Variant type: single nucleotide variant.
Coding change: c.367C>T on transcript NM_006009.4 (MANE Select); coding-DNA position 367, C replaced by T.
Protein change: p.Arg123Cys; replaces arginine 123 with cysteine.
Molecular consequence: missense variant.
Genome position (GRCh38, 1-based): chr12:49,186,318, G>A on the plus strand (C>T on the coding strand, the complement: TUBA1A is on the minus strand). VCF-style: chr12-49186318-G-A. GRCh37 (hg19) VCF-style: chr12-49580101-G-A.
Other names: p.Arg123Cys; c.367C>T, p.Arg123Cys (NM_001270399.2); c.262C>T, p.Arg88Cys (NM_001270400.2); short protein forms R123C, R88C.
Identifiers: ClinVar variation 265378 (VCV000265378.17), dbSNP rs886039513, ClinGen allele CA10588553.